The following is an entry in ClinVar:

ClinVar aggregate classification (germline): Uncertain significance (1 of 4 stars; one submission).

Submission:

Clinical Genomics Laboratory, Laboratory for Precision Diagnostics, University of Washington
Classification: Uncertain significance. Last evaluated: 2019-11-22. Review status: criteria provided, single submitter. Criteria: Clinical Cytogenomics Laboratory Policy on CNV Interpretation. Collection method: clinical testing. Allele origin: unknown. Affected: yes. Observed: 1 variant allele.

GRCh37/hg19 2q37.3(chr2:241791028-242842568)x3

Genes: AGXT (alanine--glyoxylate aminotransferase; plus strand), ANO7 (anoctamin 7; plus strand), ATG4B (autophagy related 4B cysteine peptidase; plus strand), BOK (BCL2 family apoptosis regulator BOK; plus strand), D2HGDH (D-2-hydroxyglutarate dehydrogenase; plus strand) and 16 more. Cytogenetic location: 2q37.3.
Variant type: copy number gain.
Change: copy number 3 (three copies instead of two) of chr2:241,791,028-242,842,568 (1.05 Mb, GRCh37 coordinates, 1-based), cytogenetic band 2q37.3.
Identifiers: ClinVar variation 929402 (VCV000929402.2).